The following is an entry in ClinVar:

NM_000075.4(CDK4):c.723T>G (p.Asp241Glu)

Genes: CDK4 (cyclin dependent kinase 4; minus strand), TSPAN31 (tetraspanin 31; plus strand). Cytogenetic location: 12q14.1.
Variant type: single nucleotide variant.
Coding change: c.723T>G on transcript NM_000075.4 (MANE Select); coding-DNA position 723, T replaced by G.
Protein change: p.Asp241Glu; replaces aspartic acid 241 with glutamic acid.
Molecular consequence: missense variant. On other transcripts: 3 prime UTR variant (3).
Genome position (GRCh38, 1-based): chr12:57,749,278, A>C on the plus strand (T>G on the coding strand, the complement: CDK4 is on the minus strand). VCF-style: chr12-57749278-A-C. GRCh37 (hg19) VCF-style: chr12-58143061-A-C.
Other names: c.*1988A>C (NM_001330168.2, NM_001330169.2, NM_005981.5); short protein forms D241E.
Identifiers: ClinVar variation 826926 (VCV000826926.15), dbSNP rs1595108790, ClinGen allele CA385543494.

ClinVar aggregate classification (germline): Conflicting classifications of pathogenicity. Review status: criteria provided, conflicting classifications (1 of 4 stars). 2 submissions from 2 submitters: Uncertain significance (1); Likely benign (1). Last evaluated 2025-09-28.

Conditions:
Familial melanoma. Also called: Hereditary melanoma; Hereditary cutaneous melanoma. Identifiers: Orphanet 618, MedGen C1512419, MONDO:0018961.
Hereditary cancer-predisposing syndrome. Also called: Neoplastic Syndromes, Hereditary; Tumor predisposition; Hereditary neoplastic syndrome; Hereditary Cancer Syndrome. Identifiers: Orphanet 140162, MedGen C0027672, MeSH D009386, MONDO:0015356.

Allele frequency attached by ClinVar (database versions not stated): gnomAD exomes 0.00001.
gnomAD v4.1: 13 of 1,614,114 alleles (0.00081%); highest among the groups gnomAD compares: Non-Finnish European, 0.0011%; no homozygotes.

Submissions (2):

Labcorp Genetics (formerly Invitae), Labcorp
Classification: Uncertain significance for Familial melanoma. Last evaluated: 2025-09-28. Review status: criteria provided, single submitter. Criteria: Invitae Variant Classification Sherloc (09022015). Collection method: clinical testing. Allele origin: germline.
Comment: This sequence change replaces aspartic acid, which is acidic and polar, with glutamic acid, which is acidic and polar, at codon 241 of the CDK4 protein (p.Asp241Glu). This variant is not present in population databases (gnomAD no frequency). This variant has not been reported in the literature in individuals affected with CDK4-related conditions. ClinVar contains an entry for this variant (Variation ID: 826926). Invitae Evidence Modeling of protein sequence and biophysical properties (such as structural, functional, and spatial information, amino acid conservation, physicochemical variation, residue mobility, and thermodynamic stability) indicates that this missense variant is not expected to disrupt CDK4 protein function with a negative predictive value of 95%. Algorithms developed to predict the effect of sequence changes on RNA splicing suggest that this variant may disrupt the consensus splice site. In summary, the available evidence is currently insufficient to determine the role of this variant in disease. Therefore, it has been classified as a Variant of Uncertain Significance.

Ambry Genetics
Classification: Likely benign for Hereditary cancer-predisposing syndrome. Last evaluated: 2025-09-15. Review status: criteria provided, single submitter. Criteria: Ambry Variant Classification Scheme 2023. Collection method: clinical testing. Allele origin: germline.